The following is an entry in ClinVar:

ClinVar aggregate classification (germline): Likely benign (1 of 4 stars; one submission).

Submission:

CeGaT Center for Human Genetics Tuebingen
Classification: Likely benign. Last evaluated: 2022-12-01. Review status: criteria provided, single submitter. Criteria: CeGaT Center For Human Genetics Tuebingen Variant Classification Criteria Version 2. Collection method: clinical testing. Allele origin: germline. Affected: yes. Observed: 1 variant allele.
Comment: TBC1D3B: BP4, BP7

NC_000017.11:g.36260301G>A

Genes: TBC1D3B (TBC1 domain family member 3B; minus strand), TBC1D3I (TBC1 domain family member 3I; minus strand). Cytogenetic location: 17q12.
Variant type: single nucleotide variant.
Molecular consequence: synonymous variant (on NM_001291463.2).
Genome position: GRCh38 VCF-style: chr17-36260301-G-A. GRCh37 (hg19) VCF-style: chr17-34587769-G-A.
Other names: c.315C>T, p.Asn105= (NM_001291463.2).
Identifiers: ClinVar variation 2647682 (VCV002647682.21), dbSNP rs2544844444, ClinGen allele CA728532550.